The following is an entry in ClinVar:

NM_020975.6(RET):c.2491G>A (p.Gly831Ser)

Gene: RET (ret proto-oncogene; plus strand). Cytogenetic location: 10q11.21.
Variant type: single nucleotide variant.
Coding change: c.2491G>A on transcript NM_020975.6 (MANE Select); coding-DNA position 2491, G replaced by A.
Protein change: p.Gly831Ser; replaces glycine 831 with serine.
Molecular consequence: missense variant.
Genome position (GRCh38, 1-based): chr10:43,119,629, G>A. VCF-style: chr10-43119629-G-A. GRCh37 (hg19) VCF-style: chr10-43615077-G-A.
Other names: c.2491G>A, p.Gly831Ser (NM_000323.2, NM_001406743.1, NM_001406744.1 and 4 more transcripts); c.1729G>A, p.Gly577Ser (NM_001355216.2); c.2362G>A, p.Gly788Ser (NM_001406761.1, NM_001406762.1, NM_001406764.1); c.2356G>A, p.Gly786Ser (NM_001406763.1, NM_001406765.1); c.2203G>A, p.Gly735Ser (NM_001406766.1, NM_001406767.1, NM_001406770.1); c.2227G>A, p.Gly743Ser (NM_001406768.1); c.2095G>A, p.Gly699Ser (NM_001406769.1, NM_001406772.1); c.2053G>A, p.Gly685Ser (NM_001406771.1, NM_001406773.1); and 10 more; short protein forms G577S, G831S, G396S, G436S, G487S, G501S, G656S, G348S.
Identifiers: ClinVar variation 646100 (VCV000646100.16), dbSNP rs775981129, ClinGen allele CA039430.

ClinVar aggregate classification (germline): Uncertain significance. Review status: criteria provided, multiple submitters, no conflicts (2 of 4 stars). 3 submissions from 3 submitters: Uncertain significance (3). Last evaluated 2025-11-19.

Conditions:
Multiple endocrine neoplasia, type 2 (MEN2). Identifiers: Orphanet 653, MedGen C4048306, MONDO:0019003. Disease mechanism: gain of function.
Hereditary cancer-predisposing syndrome. Also called: Hereditary Cancer Syndrome; Tumor predisposition; Hereditary neoplastic syndrome; Neoplastic Syndromes, Hereditary. Identifiers: Orphanet 140162, MedGen C0027672, MeSH D009386, MONDO:0015356.

Allele frequency attached by ClinVar (database versions not stated): gnomAD exomes below 0.00001; ExAC 0.00001; gnomAD 0.00001; TOPMed 0.00002.
gnomAD v4.1: 3 of 1,612,802 alleles (0.00019%); highest among the groups gnomAD compares: Admixed American, 0.0017%; no homozygotes.

Submissions (3):

Labcorp Genetics (formerly Invitae), Labcorp
Classification: Uncertain significance for Multiple endocrine neoplasia, type 2. Last evaluated: 2025-11-19. Review status: criteria provided, single submitter. Criteria: Invitae Variant Classification Sherloc (09022015). Collection method: clinical testing. Allele origin: germline.
Comment: This sequence change replaces glycine, which is neutral and non-polar, with serine, which is neutral and polar, at codon 831 of the RET protein (p.Gly831Ser). This variant is present in population databases (rs775981129, gnomAD 0.003%). This variant has not been reported in the literature in individuals affected with RET-related conditions. ClinVar contains an entry for this variant (Variation ID: 646100). An algorithm developed to predict the effect of missense changes on protein structure and function outputs the following: PolyPhen-2: "Benign". The serine amino acid residue is found in multiple mammalian species, which suggests that this missense change does not adversely affect protein function. In summary, the available evidence is currently insufficient to determine the role of this variant in disease. Therefore, it has been classified as a Variant of Uncertain Significance.

Ambry Genetics
Classification: Uncertain significance for Hereditary cancer-predisposing syndrome. Last evaluated: 2024-11-28. Review status: criteria provided, single submitter. Criteria: Ambry Variant Classification Scheme 2023. Collection method: clinical testing. Allele origin: germline.
Comment: The p.G831S variant (also known as c.2491G>A), located in coding exon 14 of the RET gene, results from a G to A substitution at nucleotide position 2491. The glycine at codon 831 is replaced by serine, an amino acid with similar properties. This amino acid position is not well conserved in available vertebrate species. In addition, this alteration is predicted to be tolerated by in silico analysis. Since supporting evidence is limited at this time, the clinical significance of this alteration remains unclear.

All of Us Research Program, National Institutes of Health
Classification: Uncertain significance for Multiple endocrine neoplasia, type 2. Last evaluated: 2023-12-13. Review status: criteria provided, single submitter. Criteria: ACMG Guidelines, 2015. Collection method: clinical testing. Allele origin: germline. Inheritance: Autosomal dominant inheritance. Observed: 1 variant allele, 1 heterozygote.
Comment: This missense variant replaces glycine with serine at codon 831 of the RET protein. Computational prediction suggests that this variant may not impact protein structure and function (internally defined REVEL score threshold <= 0.5, PMID: 27666373). To our knowledge, functional studies have not been reported for this variant. This variant has not been reported in individuals affected with RET-related disorders in the literature. This variant has been identified in 1/248734 chromosomes in the general population by the Genome Aggregation Database (gnomAD). The available evidence is insufficient to determine the role of this variant in disease conclusively. Therefore, this variant is classified as a Variant of Uncertain Significance.

This study involves interpretation of variants in research participants for the purpose of population health screening. Participant phenotype was not available at the time of variant classification. Additional details can be found in publication PMID: 35346344, PMCID: PMC8962531